The following is an entry in ClinVar:

ClinVar aggregate classification (germline): Uncertain significance (1 of 4 stars; one submission).

Allele frequency attached by ClinVar (database versions not stated): gnomAD 0.00001; gnomAD exomes 0.00001; TOPMed 0.00002.
gnomAD v4.1: 16 of 1,614,052 alleles (0.00099%); highest among the groups gnomAD compares: South Asian, 0.0022%; no homozygotes.

Submission:

Labcorp Genetics (formerly Invitae), Labcorp
Classification: Uncertain significance. Last evaluated: 2024-06-09. Review status: criteria provided, single submitter. Criteria: Invitae Variant Classification Sherloc (09022015). Collection method: clinical testing. Allele origin: germline.
Comment: This sequence change replaces glutamic acid, which is acidic and polar, with lysine, which is basic and polar, at codon 1490 of the MYH3 protein (p.Glu1490Lys). This variant is present in population databases (no rsID available, gnomAD 0.004%). This variant has not been reported in the literature in individuals affected with MYH3-related conditions. Advanced modeling of protein sequence and biophysical properties (such as structural, functional, and spatial information, amino acid conservation, physicochemical variation, residue mobility, and thermodynamic stability) performed at Invitae indicates that this missense variant is not expected to disrupt MYH3 protein function with a negative predictive value of 95%. In summary, the available evidence is currently insufficient to determine the role of this variant in disease. Therefore, it has been classified as a Variant of Uncertain Significance.

NM_002470.4(MYH3):c.4468G>A (p.Glu1490Lys)

Gene: MYH3 (myosin heavy chain 3; minus strand). Cytogenetic location: 17p13.1.
Variant type: single nucleotide variant.
Coding change: c.4468G>A on transcript NM_002470.4 (MANE Select); coding-DNA position 4468, G replaced by A.
Protein change: p.Glu1490Lys; replaces glutamic acid 1490 with lysine.
Molecular consequence: missense variant.
Genome position (GRCh38, 1-based): chr17:10,634,071, C>T on the plus strand (G>A on the coding strand, the complement: MYH3 is on the minus strand). VCF-style: chr17-10634071-C-T. GRCh37 (hg19) VCF-style: chr17-10537388-C-T.
Other names: short protein forms E1490K.
Identifiers: ClinVar variation 2727292 (VCV002727292.3), dbSNP rs1268766610, ClinGen allele CA398142539.
Genomic context (GRCh38, chr17:10,634,071, plus strand): 5'-GCTTACGCTCTAAGTTCTTATTTTCCCGTTTCACAGTTTCAAGTTGATCTAAGGCTTCCT[C>T]GTAGGCATTTTTCAGTTTGAAGAGCTCAGTGCTCAAGGAGCGGGACTCCTTCAGGGATGC-3'
Protein context (NP_002461.2, residues 1480-1500): TELFKLKNAY[Glu1490Lys]EALDQLETVK